The following is an entry in ClinVar:

ClinVar aggregate classification (germline): Likely benign. Review status: criteria provided, multiple submitters, no conflicts (2 of 4 stars). 3 submissions from 3 submitters: Likely benign (3). Last evaluated 2024-11-26.

Conditions:
Cardiomyopathy (CMYO). Also called: Cardiomyopathies. Identifiers: Orphanet 167848, MedGen C0878544, MONDO:0004994, HP:0001638. Inheritance: Various modes of inheritance.
Hypertrophic cardiomyopathy. Also called: HYPERTROPHIC MYOCARDIOPATHY. Identifiers: Orphanet 217569, MedGen C0007194, MeSH D002312, MONDO:0005045, HP:0001639.
Cardiovascular phenotype. Identifiers: MedGen CN230736.

Allele frequency attached by ClinVar (database versions not stated): gnomAD exomes below 0.00001.
gnomAD v4.1: 1 of 1,614,190 alleles (0.000062%); highest among the groups gnomAD compares: South Asian, 0.0011%; no homozygotes.

Submissions (3):

Labcorp Genetics (formerly Invitae), Labcorp
Classification: Likely benign for Hypertrophic cardiomyopathy. Last evaluated: 2024-11-26. Review status: criteria provided, single submitter. Criteria: Invitae Variant Classification Sherloc (09022015). Collection method: clinical testing. Allele origin: germline.

All of Us Research Program, National Institutes of Health
Classification: Likely benign for Cardiomyopathy. Last evaluated: 2024-02-22. Review status: criteria provided, single submitter. Criteria: ACMG Guidelines, 2015. Collection method: clinical testing. Allele origin: germline. Inheritance: Autosomal dominant inheritance. Observed: 1 variant allele, 1 heterozygote.
Comment: This study involves interpretation of variants in research participants for the purpose of population health screening. Participant phenotype was not available at the time of variant classification. Additional details can be found in publication PMID: 35346344, PMCID: PMC8962531

Ambry Genetics
Classification: Likely benign for Cardiovascular phenotype. Last evaluated: 2022-06-14. Review status: criteria provided, single submitter. Criteria: Ambry Variant Classification Scheme 2023. Collection method: clinical testing. Allele origin: germline.

NM_000257.4(MYH7):c.2109C>T (p.Arg703=)

Gene: MYH7 (myosin heavy chain 7; minus strand). Cytogenetic location: 14q11.2.
Variant type: single nucleotide variant.
Coding change: c.2109C>T on transcript NM_000257.4 (MANE Select); coding-DNA position 2109, C replaced by T.
Protein change: p.Arg703=; no amino-acid change (arginine 703 retained).
Molecular consequence: synonymous variant.
Genome position (GRCh38, 1-based): chr14:23,426,017, G>A on the plus strand (C>T on the coding strand, the complement: MYH7 is on the minus strand). VCF-style: chr14-23426017-G-A. GRCh37 (hg19) VCF-style: chr14-23895226-G-A.
Identifiers: ClinVar variation 1629465 (VCV001629465.11), dbSNP rs1332209177, ClinGen allele CA485766898.